The following is an entry in ClinVar:

NM_145046.5(CALR3):c.107G>A (p.Arg36Gln)

Gene: CALR3 (calreticulin 3; minus strand). Cytogenetic location: 19p13.11.
Variant type: single nucleotide variant.
Coding change: c.107G>A on transcript NM_145046.5 (MANE Select); coding-DNA position 107, G replaced by A.
Protein change: p.Arg36Gln; replaces arginine 36 with glutamine.
Molecular consequence: missense variant.
Genome position (GRCh38, 1-based): chr19:16,495,837, C>T on the plus strand (G>A on the coding strand, the complement: CALR3 is on the minus strand). VCF-style: chr19-16495837-C-T. GRCh37 (hg19) VCF-style: chr19-16606648-C-T.
Other names: short protein forms R36Q.
Identifiers: ClinVar variation 4770886 (VCV004770886.1).
Genomic context (GRCh38, chr19:16,495,837, plus strand): 5'-AACTTGCCCGACGAAAGTCTAAAATGCCCAAATCGGGAGTCATTGGTGGACTGCAACCAT[C>T]GGTTTCTCCAATGCTCTGTGGGGAAGGGGAAATAACACCGGTTAGAGGTGATAATGGTTA-3'
Protein context (NP_659483.2, residues 26-46): EFLDGEHWRN[Arg36Gln]WLQSTNDSRF

ClinVar aggregate classification (germline): Uncertain significance (1 of 4 stars; one submission).

Conditions:
Hypertrophic cardiomyopathy 19. Also called: Familial hypertrophic cardiomyopathy 19. Identifiers: MedGen CN077603, MONDO:0013476.

gnomAD v4.1: 1 of 1,614,074 alleles (0.000062%); highest among the groups gnomAD compares: South Asian, 0.0011%; no homozygotes.

Submission:

Labcorp Genetics (formerly Invitae), Labcorp
Classification: Uncertain significance for Hypertrophic cardiomyopathy 19. Last evaluated: 2025-06-29. Review status: criteria provided, single submitter. Criteria: Invitae Variant Classification Sherloc (09022015). Collection method: clinical testing. Allele origin: germline.
Comment: This sequence change replaces arginine, which is basic and polar, with glutamine, which is neutral and polar, at codon 36 of the CALR3 protein (p.Arg36Gln). This variant is not present in population databases (gnomAD no frequency). This variant has not been reported in the literature in individuals affected with CALR3-related conditions. Invitae Evidence Modeling of protein sequence and biophysical properties (such as structural, functional, and spatial information, amino acid conservation, physicochemical variation, residue mobility, and thermodynamic stability) indicates that this missense variant is not expected to disrupt CALR3 protein function with a negative predictive value of 80%. In summary, the available evidence is currently insufficient to determine the role of this variant in disease. Therefore, it has been classified as a Variant of Uncertain Significance.